The following is an entry in ClinVar:

NM_003321.5(TUFM):c.20C>T (p.Ala7Val)

Genes: TUFM (Tu translation elongation factor, mitochondrial; minus strand), LOC130058735 (ATAC-STARR-seq lymphoblastoid active region 10645; plus strand). Cytogenetic location: 16p11.2.
Variant type: single nucleotide variant.
Coding change: c.20C>T on transcript NM_003321.5 (MANE Select); coding-DNA position 20, C replaced by T.
Protein change: p.Ala7Val; replaces alanine 7 with valine.
Molecular consequence: missense variant.
Genome position (GRCh38, 1-based): chr16:28,846,250, G>A on the plus strand (C>T on the coding strand, the complement: TUFM is on the minus strand). VCF-style: chr16-28846250-G-A. GRCh37 (hg19) VCF-style: chr16-28857571-G-A.
Other names: c.20C>T, p.Ala7Val (NM_001365360.2); short protein forms A7V.
Identifiers: ClinVar variation 215310 (VCV000215310.1), dbSNP rs863224245, ClinGen allele CA324813.
Genomic context (GRCh38, chr16:28,846,250, plus strand): 5'-GCCGCCATCGCCCTCCCTGACCACTCACCGCTGAAGTGGGGCGTCGCGCGCAGCAGGGTG[G>A]CGGCCGCCATTGTGGTCATACTCGCGCCCCGGTAACCGGGGAGCCGGGACCAGGAGCCCG-3'
Protein context (NP_003312.3, residues 1-17): MTTMAA[Ala7Val]TLLRATPHFS

ClinVar aggregate classification (germline): Likely benign (1 of 4 stars; one submission).

Submission:

GeneDx
Classification: Likely benign. Last evaluated: 2014-07-17. Review status: criteria provided, single submitter. Criteria: GeneDx Variant Classification (06012015). Collection method: clinical testing. Allele origin: germline. Affected: yes.
Comment: This variant is considered likely benign or benign based on one or more of the following criteria: it is a conservative change, it occurs at a poorly conserved position in the protein, it is predicted to be benign by multiple in silico algorithms, and/or has population frequency not consistent with disease.